The following is an entry in ClinVar:

ClinVar aggregate classification (germline): Uncertain significance (1 of 4 stars; one submission).

Submission:

GeneDx
Classification: Uncertain significance. Last evaluated: 2024-04-29. Review status: criteria provided, single submitter. Criteria: GeneDx Variant Classification Process June 2021. Collection method: clinical testing. Allele origin: germline. Affected: yes.
Comment: Not observed at significant frequency in large population cohorts (gnomAD); In silico analysis indicates that this variant does not alter splicing; Has not been previously published as pathogenic or benign to our knowledge

NM_000894.3(LHB):c.16-5C>T

Gene: LHB (luteinizing hormone subunit beta; minus strand). Cytogenetic location: 19q13.33.
Variant type: single nucleotide variant.
Coding change: c.16-5C>T on transcript NM_000894.3 (MANE Select); 5 bases into the intron before coding-DNA position 16, C replaced by T.
Molecular consequence: intron variant.
Genome position (GRCh38, 1-based): chr19:49,016,719, G>A on the plus strand (C>T on the coding strand, the complement: LHB is on the minus strand). VCF-style: chr19-49016719-G-A. GRCh37 (hg19) VCF-style: chr19-49519976-G-A.
Identifiers: ClinVar variation 3373288 (VCV003373288.1).
Genomic context (GRCh38, chr19:49,016,719, plus strand): 5'-GGCTCCCTGGATGCCCATGCCCCGCCCATGCTCAGCAGCAGCAACAGCAGCAGCCCCTGG[G>A]ACAAGGACACTGCTTCACCCAGGTCTGAGACCGCAGCCCCGAGTCCTGGCCTTCCCATCC-3'